The following is an entry in ClinVar:

ClinVar aggregate classification (germline): Uncertain significance (1 of 4 stars; one submission).

Allele frequency attached by ClinVar (database versions not stated): gnomAD 0.00001; TOPMed 0.00001.

Submission:

GeneDx
Classification: Uncertain significance. Last evaluated: 2019-11-07. Review status: criteria provided, single submitter. Criteria: GeneDx Variant Classification Process June 2021. Collection method: clinical testing. Allele origin: germline. Affected: yes.
Comment: Not observed in large population cohorts (Lek et al., 2016); In silico analysis, which includes protein predictors and evolutionary conservation, supports that this variant does not alter protein structure/function; Has not been previously published as pathogenic or benign to our knowledge

NM_014908.4(DOLK):c.537G>C (p.Met179Ile)

Gene: DOLK (dolichol kinase; minus strand). Cytogenetic location: 9q34.11.
Variant type: single nucleotide variant.
Coding change: c.537G>C on transcript NM_014908.4 (MANE Select); coding-DNA position 537, G replaced by C.
Protein change: p.Met179Ile; replaces methionine 179 with isoleucine.
Molecular consequence: missense variant.
Genome position (GRCh38, 1-based): chr9:128,946,767, C>G on the plus strand (G>C on the coding strand, the complement: DOLK is on the minus strand). VCF-style: chr9-128946767-C-G. GRCh37 (hg19) VCF-style: chr9-131709046-C-G.
Other names: short protein forms M179I.
Identifiers: ClinVar variation 1310294 (VCV001310294.2), dbSNP rs1480002049, ClinGen allele CA375125148.
Genomic context (GRCh38, chr9:128,946,767, plus strand): 5'-ACCCAATACCAGCAGTGCCTCACCAGGGGTGAAGCAGCGGGGCAGCAGGTACAGCAGGAT[C>G]ATGTTGAGATAAACGAAGATCAGAAGGACTTCCAGGACTTCGATCACCTCCCCCACGCTC-3'
Protein context (NP_055723.1, residues 169-189): EVLLIFVYLN[Met179Ile]ILLYLLPRCF